The following is an entry in ClinVar:

NM_004281.4(BAG3):c.1724C>G (p.Pro575Arg)

Gene: BAG3 (BAG cochaperone 3; plus strand). Cytogenetic location: 10q26.11.
Variant type: single nucleotide variant.
Coding change: c.1724C>G on transcript NM_004281.4 (MANE Select); coding-DNA position 1724, C replaced by G.
Protein change: p.Pro575Arg; replaces proline 575 with arginine.
Molecular consequence: missense variant.
Genome position (GRCh38, 1-based): chr10:119,677,278, C>G. VCF-style: chr10-119677278-C-G. GRCh37 (hg19) VCF-style: chr10-121436790-C-G.
Other names: short protein forms P575R.
Identifiers: ClinVar variation 1365786 (VCV001365786.6), dbSNP rs748233260, ClinGen allele CA378297935.

ClinVar aggregate classification (germline): Uncertain significance (1 of 4 stars; one submission).

Conditions:
Dilated cardiomyopathy 1HH (CMD1HH). Identifiers: Orphanet 154, MedGen C3151293, MONDO:0013479, OMIM 613881.
Myofibrillar myopathy 6. Identifiers: Orphanet 199340, MedGen C2751831, MONDO:0013061, OMIM 612954.

Submission:

Labcorp Genetics (formerly Invitae), Labcorp
Classification: Uncertain significance for Dilated cardiomyopathy 1HH; Myofibrillar myopathy 6. Last evaluated: 2023-11-27. Review status: criteria provided, single submitter. Criteria: Invitae Variant Classification Sherloc (09022015). Collection method: clinical testing. Allele origin: germline.
Comment: This sequence change replaces proline, which is neutral and non-polar, with arginine, which is basic and polar, at codon 575 of the BAG3 protein (p.Pro575Arg). This variant is not present in population databases (gnomAD no frequency). This variant has not been reported in the literature in individuals affected with BAG3-related conditions. ClinVar contains an entry for this variant (Variation ID: 1365786). Experimental studies and prediction algorithms are not available or were not evaluated, and the functional significance of this variant is currently unknown. In summary, the available evidence is currently insufficient to determine the role of this variant in disease. Therefore, it has been classified as a Variant of Uncertain Significance.